The following is an entry in ClinVar:

NM_004370.6(COL12A1):c.5977C>T (p.Arg1993Trp)

Gene: COL12A1 (collagen type XII alpha 1 chain; minus strand). Cytogenetic location: 6q13.
Variant type: single nucleotide variant.
Coding change: c.5977C>T on transcript NM_004370.6 (MANE Select); coding-DNA position 5977, C replaced by T.
Protein change: p.Arg1993Trp; replaces arginine 1993 with tryptophan.
Molecular consequence: missense variant.
Genome position (GRCh38, 1-based): chr6:75,130,942, G>A on the plus strand (C>T on the coding strand, the complement: COL12A1 is on the minus strand). VCF-style: chr6-75130942-G-A. GRCh37 (hg19) VCF-style: chr6-75840658-G-A.
Other names: c.5977C>T (NM_004370.5); c.2485C>T, p.Arg829Trp (NM_080645.3); short protein forms R1993W, R829W.
Identifiers: ClinVar variation 1409106 (VCV001409106.9), dbSNP rs199501842, ClinGen allele CA3892938.

ClinVar aggregate classification (germline): Conflicting classifications of pathogenicity. Review status: criteria provided, conflicting classifications (1 of 4 stars). 2 submissions from 2 submitters: Uncertain significance (1); Likely benign (1). Last evaluated 2023-07-07.

Conditions:
Bethlem myopathy 2 (BTHLM2). Identifiers: Orphanet 536516, Orphanet 610, MedGen C4225313, MONDO:0034022, OMIM 616471.
Ullrich congenital muscular dystrophy 2 (UCMD2). Identifiers: Orphanet 75840, MedGen C4225314, MONDO:0014654, OMIM 616470.

Allele frequency attached by ClinVar (database versions not stated): gnomAD 0.00001 and 0.00002; gnomAD exomes 0.00001 and 0.00002; ExAC 0.00002; TOPMed 0.00003; 1000 Genomes Project 0.00020; 1000 Genomes Project 30x 0.00031.
gnomAD v4.1: 17 of 1,614,084 alleles (0.0011%); highest among the groups gnomAD compares: East Asian, 0.0045%; no homozygotes.

Submissions (2):

Labcorp Genetics (formerly Invitae), Labcorp
Classification: Likely benign for Bethlem myopathy 2; Ullrich congenital muscular dystrophy 2. Last evaluated: 2023-07-07. Review status: criteria provided, single submitter. Criteria: Invitae Variant Classification Sherloc (09022015). Collection method: clinical testing. Allele origin: germline.

GeneDx
Classification: Uncertain significance. Last evaluated: 2023-06-14. Review status: criteria provided, single submitter. Criteria: GeneDx Variant Classification Process June 2021. Collection method: clinical testing. Allele origin: germline. Affected: yes.
Comment: In silico analysis supports that this missense variant does not alter protein structure/function; Has not been previously published as pathogenic or benign to our knowledge